The following is an entry in ClinVar:

ClinVar aggregate classification (germline): Pathogenic. Review status: reviewed by expert panel (3 of 4 stars). 5 submissions from 5 submitters: Pathogenic (1). 4 of the submissions do not count toward it. Last evaluated 2016-09-08.

Conditions:
Hereditary cancer-predisposing syndrome. Also called: Tumor predisposition; Neoplastic Syndromes, Hereditary; Hereditary neoplastic syndrome; Hereditary Cancer Syndrome. Identifiers: Orphanet 140162, MedGen C0027672, MeSH D009386, MONDO:0015356.
Hereditary breast ovarian cancer syndrome. Also called: Hereditary breast and ovarian cancer; Hereditary breast and ovarian cancer syndrome (HBOC); Hereditary breast and/or ovarian cancer syndrome; Breast and ovarian cancer; Hereditary breast and ovarian cancer syndrome; BRCA1- and BRCA2-Associated Hereditary Breast and Ovarian Cancer. Identifiers: Orphanet 145, MedGen C0677776, MeSH D061325, MONDO:0003582. Disease mechanism: loss of function.
Breast-ovarian cancer, familial, susceptibility to, 2 (BROVCA2). Also called: BRCA2 Hereditary Breast and Ovarian Cancer. Identifiers: Orphanet 145, MedGen C2675520, MONDO:0012933, OMIM 612555. Disease mechanism: loss of function.

Submissions (5):

Evidence-based Network for the Interpretation of Germline Mutant Alleles (ENIGMA)
Classification: Pathogenic for Breast-ovarian cancer, familial, susceptibility to, 2. Last evaluated: 2016-09-08. Review status: reviewed by expert panel. Criteria: ENIGMA BRCA1/2 Classification Criteria (2015). Collection method: curation. Allele origin: germline.
Comment: Variant allele predicted to encode a truncated non-functional protein.

Labcorp Genetics (formerly Invitae), Labcorp
Classification: Pathogenic for Hereditary breast ovarian cancer syndrome. Last evaluated: 2016-04-09. Review status: criteria provided, single submitter. Criteria: Invitae Variant Classification Sherloc (09022015). Collection method: clinical testing. Allele origin: germline. Not counted in ClinVar's aggregate classification.
Comment: For these reasons, this variant has been classified as Pathogenic. Truncating variants in BRCA2 are known to be pathogenic. This particular truncation has been reported in individuals affected with hereditary breast and ovarian cancer (PMID: 22217648, 25863477, 22798144). This sequence change creates a premature translational stop signal at codon 2420 (p.Glu2420*) of the BRCA2 gene. It is expected to result in an absent or disrupted protein product.

Consortium of Investigators of Modifiers of BRCA1/2 (CIMBA), c/o University of Cambridge
Classification: Pathogenic for Breast-ovarian cancer, familial, susceptibility to, 2. Last evaluated: 2015-10-02. Review status: criteria provided, single submitter. Criteria: CIMBA Mutation Classification guidelines May 2016. Collection method: clinical testing. Allele origin: germline. Not counted in ClinVar's aggregate classification.

Ambry Genetics
Classification: Pathogenic for Hereditary cancer-predisposing syndrome. Last evaluated: 2015-07-01. Review status: criteria provided, single submitter. Criteria: Ambry Variant Classification Scheme 2023. Collection method: clinical testing. Allele origin: germline. Not counted in ClinVar's aggregate classification.
Comment: The p.E2420* pathogenic mutation (also known as c.7258G>T and 7486G>T), located in coding exon 13 of the BRCA2 gene, results from a G to T substitution at nucleotide position 7258. This changes the amino acid from a glutamic acid to a stop codon within coding exon 13. This alteration has been previously reported and classified as pathogenic in the ClinVar database by the Sharing Clinical Reports Project (SCRP) (available from ClinVar. Accessed 07/01/2015). Since premature stop codons are typically deleterious in nature, this alteration is interpreted as a disease-causing mutation (ACMG Recommendations for Standards for Interpretation and Reporting of Sequence Variations. Revision 2007. Genet Med. 2008;10:294).

Sharing Clinical Reports Project (SCRP)
Classification: Pathogenic for Breast-ovarian cancer, familial 2. Last evaluated: 2007-03-19. Review status: no assertion criteria provided. Collection method: clinical testing. Allele origin: germline. Not counted in ClinVar's aggregate classification.

Literature cited by the submitters: PubMed 22217648 (cited by Labcorp Genetics (formerly Invitae), Labcorp); PubMed 25863477 (cited by Labcorp Genetics (formerly Invitae), Labcorp); PubMed 22798144 (cited by Labcorp Genetics (formerly Invitae), Labcorp).

NM_000059.4(BRCA2):c.7258G>T (p.Glu2420Ter)

Gene: BRCA2 (BRCA2 DNA repair associated; plus strand). Cytogenetic location: 13q13.1.
Variant type: single nucleotide variant.
Coding change: c.7258G>T on transcript NM_000059.4 (MANE Select); coding-DNA position 7258, G replaced by T.
Protein change: p.Glu2420Ter; replaces glutamic acid 2420 with a stop codon.
Molecular consequence: nonsense.
Genome position (GRCh38, 1-based): chr13:32,355,111, G>T. VCF-style: chr13-32355111-G-T. GRCh37 (hg19) VCF-style: chr13-32929248-G-T.
Other names: short protein forms E2420*.
Identifiers: ClinVar variation 38089 (VCV000038089.15), dbSNP rs397507385, ClinGen allele CA025002.